The following is an entry in ClinVar:

NM_144672.4(OTOA):c.2207+9C>T

Gene: OTOA (otoancorin). Cytogenetic location: 16p12.2.
Variant type: single nucleotide variant.
Coding change: c.2207+9C>T on transcript NM_144672.4 (MANE Select); 9 bases into the intron after coding-DNA position 2207, C replaced by T.
Molecular consequence: intron variant.
Genome position (GRCh38, 1-based): chr16:21,728,440, C>T. VCF-style: chr16-21728440-C-T. GRCh37 (hg19) VCF-style: chr16-21739761-C-T.
Other names: c.1970+9C>T (NM_001161683.2); c.1235+9C>T (NM_170664.3).
Identifiers: ClinVar variation 178501 (VCV000178501.10), dbSNP rs374535775, ClinGen allele CA182448.

ClinVar aggregate classification (germline): Likely benign. Review status: criteria provided, multiple submitters, no conflicts (2 of 4 stars). 3 submissions from 3 submitters: Likely benign (2). 1 of the submissions does not count toward it. Last evaluated 2026-01-18.

Conditions:
OTOA-related disorder. Also called: OTOA-related condition.

Allele frequency attached by ClinVar (database versions not stated): TOPMed 0.00030; gnomAD 0.00038; gnomAD exomes 0.00004; ESP Exome Variant Server 0.00023; ExAC 0.00009.
gnomAD v4.1: 113 of 1,612,614 alleles (0.007%); highest among the groups gnomAD compares: African/African-American, 0.084%; no homozygotes.

Submissions (3):

Labcorp Genetics (formerly Invitae), Labcorp
Classification: Likely benign. Last evaluated: 2026-01-18. Review status: criteria provided, single submitter. Criteria: Invitae Variant Classification Sherloc (09022015). Collection method: clinical testing. Allele origin: germline.

Laboratory for Molecular Medicine, Mass General Brigham Personalized Medicine
Classification: Likely benign. Last evaluated: 2015-08-10. Review status: criteria provided, single submitter. Criteria: LMM Criteria. Collection method: clinical testing. Allele origin: germline. Observed: 2 variant alleles.
Comment: c.2207+9C>T in Intron 19 of OTOA: This variant is not expected to have clinical significance because it is not located within the conserved splice consensus seq uence. It has been identified in 6/9044 African chromosomes by the Exome Aggre gation Consortium (ExAC; dbSNP rs374535775).

PreventionGenetics, part of Exact Sciences
Classification: Likely benign for OTOA-related condition. Last evaluated: 2019-09-23. Review status: no assertion criteria provided. Collection method: clinical testing. Allele origin: germline. Not counted in ClinVar's aggregate classification.
Comment: This variant is classified as likely benign based on ACMG/AMP sequence variant interpretation guidelines (Richards et al. 2015 PMID: 25741868, with internal and published modifications).